The following is an entry in ClinVar:

NM_015311.3(OBSL1):c.1882T>C (p.Tyr628His)

Gene: OBSL1 (obscurin like cytoskeletal adaptor 1; minus strand). Cytogenetic location: 2q35.
Variant type: single nucleotide variant.
Coding change: c.1882T>C on transcript NM_015311.3 (MANE Select); coding-DNA position 1882, T replaced by C.
Protein change: p.Tyr628His; replaces tyrosine 628 with histidine.
Molecular consequence: missense variant.
Genome position (GRCh38, 1-based): chr2:219,567,082, A>G on the plus strand (T>C on the coding strand, the complement: OBSL1 is on the minus strand). VCF-style: chr2-219567082-A-G. GRCh37 (hg19) VCF-style: chr2-220431804-A-G.
Other names: c.1882T>C, p.Tyr628His (NM_001173408.2, NM_001173431.2); short protein forms Y628H.
Identifiers: ClinVar variation 2579874 (VCV002579874.2), dbSNP rs1041365664, ClinGen allele CA66035823.
Genomic context (GRCh38, chr2:219,567,082, plus strand): 5'-ACCAGGTACCCTGGATGATGGTGGAGAGATCGAGGGAGAAGACGGCATCTTCCCCGTCGT[A>G]TACCTGCACATCCTCCAGACCTGCCACCAGGCGAGCTGTGGGCACTGAGGCAGGGACAGA-3'
Protein context (NP_056126.1, residues 618-638): LVAGLEDVQV[Tyr628His]DGEDAVFSLD

ClinVar aggregate classification (germline): Uncertain significance (1 of 4 stars; one submission).

Submission:

GeneDx
Classification: Uncertain significance. Last evaluated: 2025-06-12. Review status: criteria provided, single submitter. Criteria: GeneDx Variant Classification Process June 2021. Collection method: clinical testing. Allele origin: germline.
Comment: Not observed at significant frequency in large population cohorts (gnomAD); In silico analysis suggests that this missense variant does not alter protein structure/function; Has not been previously published as pathogenic or benign to our knowledge